The following is an entry in ClinVar:

NM_001355436.2(SPTB):c.6483C>T (p.Ser2161=)

Gene: SPTB (spectrin beta, erythrocytic; minus strand). Cytogenetic location: 14q23.3.
Variant type: single nucleotide variant.
Coding change: c.6483C>T on transcript NM_001355436.2 (MANE Select); coding-DNA position 6483, C replaced by T.
Protein change: p.Ser2161=; no amino-acid change (serine 2161 retained).
Molecular consequence: synonymous variant.
Genome position (GRCh38, 1-based): chr14:64,753,656, G>A on the plus strand (C>T on the coding strand, the complement: SPTB is on the minus strand). VCF-style: chr14-64753656-G-A. GRCh37 (hg19) VCF-style: chr14-65220374-G-A.
Other names: p.Ser2161=; c.6483C>T, p.Ser2161= (NM_001024858.4).
Identifiers: ClinVar variation 994185 (VCV000994185.48), dbSNP rs143820600, ClinGen allele CA7229554.
Genomic context (GRCh38, chr14:64,753,656, plus strand): 5'-CATCTGCACACTCTGCCCATGGTCCCGCGGGGCCGGCAGCGTTGCGGGCTCATCACCCTC[G>A]CTCAGAGGCGTATCTAGGACCTTAAAGAGGGGCTCCGTGGTGGGCCTCTCATCCCCAGTG-3'
Protein context (NP_001342365.1, residues 2151-2171): PLFKVLDTPL[Ser2161=]EGDEPATLPA

ClinVar aggregate classification (germline): Benign/Likely benign. Review status: criteria provided, multiple submitters, no conflicts (2 of 4 stars). 4 submissions from 4 submitters: Benign (2); Likely benign (2). Last evaluated 2026-06-01.

Allele frequency attached by ClinVar (database versions not stated): TOPMed 0.00104; 1000 Genomes Project 30x 0.00203; 1000 Genomes Project 0.00240.
gnomAD v4.1: 3,064 of 1,613,600 alleles (0.19%); highest among the groups gnomAD compares: Middle Eastern, 1.3%; 24 homozygotes.

Submissions (5):

CeGaT Center for Human Genetics Tuebingen
Classification: Likely benign. Last evaluated: 2026-06-01. Review status: criteria provided, single submitter. Criteria: CeGaT Center For Human Genetics Tuebingen Variant Classification Criteria Version 2. Collection method: clinical testing. Allele origin: germline. Affected: yes. Observed: 11 variant alleles.
Comment: SPTB: BP4, BP7

Mayo Clinic Laboratories, Mayo Clinic
Classification: Benign. Last evaluated: 2022-05-31. Review status: criteria provided, single submitter. Criteria: ACMG Guidelines, 2015. Collection method: clinical testing. Allele origin: germline. Observed: 12 variant alleles.
Comment: BS1, BS2, BP4, BP7

ARUP Laboratories, Molecular Genetics and Genomics, ARUP Laboratories
Classification: Benign. Last evaluated: 2022-05-27. Review status: criteria provided, single submitter. Criteria: ARUP Molecular Germline Variant Investigation Process 2021. Collection method: clinical testing. Allele origin: germline.

Breakthrough Genomics
Classification: Likely benign. Review status: criteria provided, single submitter. Criteria: ACMG Guidelines, 2015. Collection method: not provided. Allele origin: germline. Inheritance: Autosomal dominant inheritance. Affected: yes.

Dr. Peter K. Rogan Lab, Western University
No classification provided (evidence only). Condition: Melanoma. Review status: no classification provided. Collection method: in vitro. Allele origin: not applicable. Functional consequence: retained intron. Not counted in ClinVar's aggregate classification.